The following is an entry in ClinVar:

ClinVar aggregate classification (germline): Pathogenic (1 of 4 stars; one submission).

Conditions:
Chédiak-Higashi syndrome (CHS). Also called: Chediak-Higashi Syndrome. Identifiers: Orphanet 167, MedGen C0007965, MONDO:0008963, OMIM 214500.

Submission:

Labcorp Genetics (formerly Invitae), Labcorp
Classification: Pathogenic for Chédiak-Higashi syndrome. Last evaluated: 2022-11-01. Review status: criteria provided, single submitter. Criteria: Invitae Variant Classification Sherloc (09022015). Collection method: clinical testing. Allele origin: germline.
Comment: For these reasons, this variant has been classified as Pathogenic. ClinVar contains an entry for this variant (Variation ID: 1452697). This variant has not been reported in the literature in individuals affected with LYST-related conditions. This variant is not present in population databases (gnomAD no frequency). This sequence change creates a premature translational stop signal (p.Asn3150Thrfs*35) in the LYST gene. It is expected to result in an absent or disrupted protein product. Loss-of-function variants in LYST are known to be pathogenic (PMID: 9215679, 11857544).

Literature cited by the submitters: PubMed 9215679; PubMed 11857544.

NM_000081.4(LYST):c.9449del (p.Asn3150fs)

Gene: LYST (lysosomal trafficking regulator; minus strand). Cytogenetic location: 1q42.3.
Variant type: Deletion.
Coding change: c.9449del on transcript NM_000081.4 (MANE Select); coding-DNA position 9449, one base deleted (A; older notation c.9449delA).
Protein change: p.Asn3150fs; shifts the reading frame from asparagine 3150.
Molecular consequence: frameshift variant.
Genome position (GRCh38, 1-based): chr1:235,720,772, T deleted on the plus strand (A on the coding strand, the reverse complement: LYST is on the minus strand); the first of 3 consecutive T bases (chr1:235,720,772-235,720,774); deleting any one gives the same sequence. VCF-style (leftmost placement, unchanged base first): chr1-235720771-GT-G. GRCh37 (hg19) VCF-style: chr1-235884071-GT-G.
Other names: c.9449del, p.Asn3150fs (NM_001301365.1); short protein forms N3150fs.
Identifiers: ClinVar variation 1452697 (VCV001452697.5), dbSNP rs2527449218, ClinGen allele CA2573132900.